The following is an entry in ClinVar:

ClinVar aggregate classification (germline): Benign/Likely benign. Review status: criteria provided, multiple submitters, no conflicts (2 of 4 stars). 4 submissions from 2 submitters: Benign (1); Likely benign (3). Last evaluated 2019-12-31.

Conditions:
Cockayne syndrome type 2 (CSB). Also called: Cockayne Syndrome, Type II; COCKAYNE SYNDROME B. Identifiers: Orphanet 191, Orphanet 90322, MedGen C0751038, MONDO:0019570, OMIM 133540.
Age related macular degeneration 5. Identifiers: MedGen C3151063, MONDO:0013409, OMIM 613761.
Cerebrooculofacioskeletal syndrome 1 (COFS1). Also called: Cerebro-oculo-facio-skeletal syndrome 1. Identifiers: MedGen C0220722, MONDO:0008955, OMIM 214150.

Allele frequency attached by ClinVar (database versions not stated): gnomAD exomes 0.00046; ExAC 0.00056; gnomAD 0.00179 and 0.00191; TOPMed 0.00181; 1000 Genomes Project 0.00260; 1000 Genomes Project 30x 0.00281.
gnomAD v4.1: 474 of 1,614,186 alleles (0.029%); highest among the groups gnomAD compares: African/African-American, 0.56%; 1 homozygote.

Submissions (4):

Labcorp Genetics (formerly Invitae), Labcorp
Classification: Benign. Last evaluated: 2019-12-31. Review status: criteria provided, single submitter. Criteria: Invitae Variant Classification Sherloc (09022015). Collection method: clinical testing. Allele origin: germline.

Illumina Laboratory Services, Illumina
Classification: Likely benign for Cockayne syndrome type 2. Last evaluated: 2018-01-13. Review status: criteria provided, single submitter. Criteria: ICSL Variant Classification Criteria 13 December 2019. Collection method: clinical testing. Allele origin: germline.
Comment: This variant was observed in the ICSL laboratory as part of a predisposition screen in an ostensibly healthy population. It had not been previously curated by ICSL or reported in the Human Gene Mutation Database (HGMD: prior to June 1st, 2018), and was therefore a candidate for classification through an automated scoring system. Utilizing variant allele frequency, disease prevalence and penetrance estimates, and inheritance mode, an automated score was calculated to assess if this variant is too frequent to cause the disease. Based on the score and internal cut-off values, a variant classified as likely benign is not then subjected to further curation. The score for this variant resulted in a classification of likely benign for this disease.

Illumina Laboratory Services, Illumina
Classification: Likely benign for Cerebrooculofacioskeletal syndrome 1. Last evaluated: 2018-01-13. Review status: criteria provided, single submitter. Criteria: ICSL Variant Classification Criteria 13 December 2019. Collection method: clinical testing. Allele origin: germline.
Comment: the same text as in the submission from Illumina Laboratory Services, Illumina above.

Illumina Laboratory Services, Illumina
Classification: Likely benign for Age related macular degeneration 5. Last evaluated: 2018-01-13. Review status: criteria provided, single submitter. Criteria: ICSL Variant Classification Criteria 13 December 2019. Collection method: clinical testing. Allele origin: germline.
Comment: the same text as in the submission from Illumina Laboratory Services, Illumina above.

NM_000124.4(ERCC6):c.3481A>C (p.Ser1161Arg)

Gene: ERCC6 (ERCC excision repair 6, chromatin remodeling factor; minus strand). Cytogenetic location: 10q11.23.
Variant type: single nucleotide variant.
Coding change: c.3481A>C on transcript NM_000124.4 (MANE Select); coding-DNA position 3481, A replaced by C.
Protein change: p.Ser1161Arg; replaces serine 1161 with arginine.
Molecular consequence: missense variant.
Genome position (GRCh38, 1-based): chr10:49,470,479, T>G on the plus strand (A>C on the coding strand, the complement: ERCC6 is on the minus strand). VCF-style: chr10-49470479-T-G. GRCh37 (hg19) VCF-style: chr10-50678525-T-G.
Other names: c.3481A>C, p.Ser1161Arg (NM_001346440.2); short protein forms S1161R.
Identifiers: ClinVar variation 300047 (VCV000300047.9), dbSNP rs142094044, ClinGen allele CA5495342.